The following is an entry in ClinVar:

NM_001267550.2(TTN):c.8381-9T>C

Gene: TTN (titin; minus strand). Cytogenetic location: 2q31.2.
Variant type: single nucleotide variant.
Coding change: c.8381-9T>C on transcript NM_001267550.2 (MANE Select); 9 bases into the intron before coding-DNA position 8381, T replaced by C.
Molecular consequence: intron variant.
Genome position (GRCh38, 1-based): chr2:178,770,329, A>G on the plus strand (T>C on the coding strand, the complement: TTN is on the minus strand). VCF-style: chr2-178770329-A-G. GRCh37 (hg19) VCF-style: chr2-179635056-A-G.
Other names: c.8243-9T>C (NM_003319.4, NM_133437.4, NM_133432.3); c.8381-9T>C (NM_133378.4, NM_001256850.1, NM_133379.5).
Identifiers: ClinVar variation 514936 (VCV000514936.9), dbSNP rs1026517147, ClinGen allele CA61003621.

ClinVar aggregate classification (germline): Likely benign. Review status: criteria provided, multiple submitters, no conflicts (2 of 4 stars). 2 submissions from 2 submitters: Likely benign (2). Last evaluated 2022-08-09.

Conditions:
Autosomal recessive limb-girdle muscular dystrophy type 2J (LGMDR10). Also called: MUSCULAR DYSTROPHY, LIMB-GIRDLE, AUTOSOMAL RECESSIVE 10; Limb-girdle muscular dystrophy, type 2J. Identifiers: Orphanet 140922, MedGen C1837342, MONDO:0012127, OMIM 608807.
Dilated cardiomyopathy 1G (CMD1G). Identifiers: Orphanet 154, MedGen C1858763, MONDO:0011400, OMIM 604145.

Allele frequency attached by ClinVar (database versions not stated): gnomAD exomes below 0.00001; gnomAD 0.00001; TOPMed 0.00001.
gnomAD v4.1: 11 of 1,614,026 alleles (0.00068%); highest among the groups gnomAD compares: Non-Finnish European, 0.00025%; no homozygotes.

Submissions (2):

Labcorp Genetics (formerly Invitae), Labcorp
Classification: Likely benign for Dilated cardiomyopathy 1G; Autosomal recessive limb-girdle muscular dystrophy type 2J. Last evaluated: 2022-08-09. Review status: criteria provided, single submitter. Criteria: Invitae Variant Classification Sherloc (09022015). Collection method: clinical testing. Allele origin: germline.

GeneDx
Classification: Likely benign. Last evaluated: 2018-01-16. Review status: criteria provided, single submitter. Criteria: GeneDx Variant Classification (06012015). Collection method: clinical testing. Allele origin: germline. Affected: yes.
Comment: This variant is considered likely benign or benign based on one or more of the following criteria: it is a conservative change, it occurs at a poorly conserved position in the protein, it is predicted to be benign by multiple in silico algorithms, and/or has population frequency not consistent with disease.